The following is an entry in ClinVar:

ClinVar aggregate classification (germline): Uncertain significance (1 of 4 stars; one submission).

Submission:

GeneDx
Classification: Uncertain significance. Last evaluated: 2024-04-10. Review status: criteria provided, single submitter. Criteria: GeneDx Variant Classification Process June 2021. Collection method: clinical testing. Allele origin: germline. Affected: yes.
Comment: Not observed at significant frequency in large population cohorts (gnomAD); In silico analysis supports that this missense variant has a deleterious effect on protein structure/function; Has not been previously published as pathogenic or benign to our knowledge

NM_001002295.2(GATA3):c.1244A>G (p.His415Arg)

Gene: GATA3 (GATA binding protein 3; plus strand). Cytogenetic location: 10p14.
Variant type: single nucleotide variant.
Coding change: c.1244A>G on transcript NM_001002295.2 (MANE Select); coding-DNA position 1244, A replaced by G.
Protein change: p.His415Arg; replaces histidine 415 with arginine.
Molecular consequence: missense variant.
Genome position (GRCh38, 1-based): chr10:8,073,932, A>G. VCF-style: chr10-8073932-A-G. GRCh37 (hg19) VCF-style: chr10-8115895-A-G.
Other names: c.1241A>G, p.His414Arg (NM_002051.3); short protein forms H414R, H415R.
Identifiers: ClinVar variation 3372292 (VCV003372292.1).